The following is an entry in ClinVar:

NM_000211.5(ITGB2):c.1570G>T (p.Val524Phe)

Gene: ITGB2 (integrin subunit beta 2; minus strand). Cytogenetic location: 21q22.3.
Variant type: single nucleotide variant.
Coding change: c.1570G>T on transcript NM_000211.5 (MANE Select); coding-DNA position 1570, G replaced by T.
Protein change: p.Val524Phe; replaces valine 524 with phenylalanine.
Molecular consequence: missense variant.
Genome position (GRCh38, 1-based): chr21:44,890,065, C>A on the plus strand (G>T on the coding strand, the complement: ITGB2 is on the minus strand). VCF-style: chr21-44890065-C-A. GRCh37 (hg19) VCF-style: chr21-46309980-C-A.
Other names: c.1570G>T, p.Val524Phe (NM_001127491.3); c.1363G>T, p.Val455Phe (NM_001303238.2); short protein forms V455F, V524F.
Identifiers: ClinVar variation 2128454 (VCV002128454.2), dbSNP rs201654243, ClinGen allele CA410484441.

ClinVar aggregate classification (germline): Uncertain significance (1 of 4 stars; one submission).

Conditions:
Leukocyte adhesion deficiency 1 (LAD1). Also called: LEUKOCYTE ADHESION DEFICIENCY, TYPE I; LAD 1; Lymphocyte function-associated antigen 1 immunodeficiency; LFA 1 immunodeficiency. Identifiers: Orphanet 2968, Orphanet 99842, MedGen C0398738, MONDO:0007293, OMIM 116920.

gnomAD v4.1: 1 of 1,613,500 alleles (0.000062%); no homozygotes.

Submission:

Labcorp Genetics (formerly Invitae), Labcorp
Classification: Uncertain significance for Leukocyte adhesion deficiency 1. Last evaluated: 2022-04-20. Review status: criteria provided, single submitter. Criteria: Invitae Variant Classification Sherloc (09022015). Collection method: clinical testing. Allele origin: germline.
Comment: This sequence change replaces valine, which is neutral and non-polar, with phenylalanine, which is neutral and non-polar, at codon 524 of the ITGB2 protein (p.Val524Phe). This variant is not present in population databases (gnomAD no frequency). This variant has not been reported in the literature in individuals affected with ITGB2-related conditions. Algorithms developed to predict the effect of missense changes on protein structure and function (SIFT, PolyPhen-2, Align-GVGD) all suggest that this variant is likely to be tolerated. In summary, the available evidence is currently insufficient to determine the role of this variant in disease. Therefore, it has been classified as a Variant of Uncertain Significance.